The following is an entry in ClinVar:

NM_002334.4(LRP4):c.813G>A (p.Thr271=)

Gene: LRP4 (LDL receptor related protein 4; minus strand). Cytogenetic location: 11p11.2.
Variant type: single nucleotide variant.
Coding change: c.813G>A on transcript NM_002334.4 (MANE Select); coding-DNA position 813, G replaced by A.
Protein change: p.Thr271=; no amino-acid change (threonine 271 retained).
Molecular consequence: synonymous variant.
Genome position (GRCh38, 1-based): chr11:46,896,978, C>T on the plus strand (G>A on the coding strand, the complement: LRP4 is on the minus strand). VCF-style: chr11-46896978-C-T. GRCh37 (hg19) VCF-style: chr11-46918529-C-T.
Other names: p.Thr271=.
Identifiers: ClinVar variation 304895 (VCV000304895.20), dbSNP rs879721, ClinGen allele CA5970359.
Genomic context (GRCh38, chr11:46,896,978, plus strand): 5'-CCCATCACAGCGCCAGGACAGGCGGACACAGCGGCCTGAGTGACAGCGGAACTGTTCTGC[C>T]GTACACATGGAGGTGGCTGGGCAAAGCAAAGGCTTAATGAAAGGTGGGCCCCATTTCAGC-3'
Protein context (NP_002325.2, residues 261-281): DERNCTTSMC[Thr271=]AEQFRCHSGR

ClinVar aggregate classification (germline): Benign/Likely benign. Review status: criteria provided, multiple submitters, no conflicts (2 of 4 stars). 4 submissions from 4 submitters: Benign (3); Likely benign (1). Last evaluated 2026-02-03.

Conditions:
Sclerosteosis 2 (SOST2). Identifiers: Orphanet 3152, MedGen C3280402, MONDO:0013679, OMIM 614305.
Cenani-Lenz syndactyly syndrome. Also called: SYNDACTYLY, TYPE VII; CENANI SYNDACTYLISM. Identifiers: Orphanet 3258, MedGen C1859309, MONDO:0008931, OMIM 212780.
Congenital myasthenic syndrome 17. Identifiers: Orphanet 590, MedGen C4225377, MONDO:0014578, OMIM 616304.

Allele frequency attached by ClinVar (database versions not stated): ExAC 0.01700; gnomAD 0.05245; ESP Exome Variant Server 0.05946; TOPMed 0.05990; 1000 Genomes Project 0.06170; 1000 Genomes Project 30x 0.06668.
gnomAD v4.1: 15,490 of 1,614,080 alleles (0.96%); highest among the groups gnomAD compares: African/African-American, 18%; 1,287 homozygotes.

Submissions (4):

Labcorp Genetics (formerly Invitae), Labcorp
Classification: Benign for Cenani-Lenz syndactyly syndrome; Sclerosteosis 2; Congenital myasthenic syndrome 17. Last evaluated: 2026-02-03. Review status: criteria provided, single submitter. Criteria: Invitae Variant Classification Sherloc (09022015). Collection method: clinical testing. Allele origin: germline.

Mayo Clinic Laboratories, Mayo Clinic
Classification: Benign. Last evaluated: 2023-11-02. Review status: criteria provided, single submitter. Criteria: ACMG Guidelines, 2015. Collection method: clinical testing. Allele origin: germline. Observed: 19 variant alleles.
Comment: BA1, BS2

GeneDx
Classification: Benign. Last evaluated: 2018-07-27. Review status: criteria provided, single submitter. Criteria: GeneDx Variant Classification Process June 2021. Collection method: clinical testing. Allele origin: germline. Affected: yes.

Breakthrough Genomics
Classification: Likely benign. Review status: criteria provided, single submitter. Criteria: ACMG Guidelines, 2015. Collection method: not provided. Allele origin: germline. Inheritance: Autosomal recessive inheritance. Affected: yes.